The following is an entry in ClinVar:

NM_001127222.2(CACNA1A):c.1692G>A (p.Glu564=)

Gene: CACNA1A (calcium voltage-gated channel subunit alpha1 A; minus strand). Cytogenetic location: 19p13.13.
Variant type: single nucleotide variant.
Coding change: c.1692G>A on transcript NM_001127222.2 (MANE Select); coding-DNA position 1692, G replaced by A.
Protein change: p.Glu564=; no amino-acid change (glutamic acid 564 retained).
Molecular consequence: synonymous variant.
Genome position (GRCh38, 1-based): chr19:13,308,505, C>T on the plus strand (G>A on the coding strand, the complement: CACNA1A is on the minus strand). VCF-style: chr19-13308505-C-T. GRCh37 (hg19) VCF-style: chr19-13419319-C-T.
Other names: c.1695G>A, p.Glu565= (NM_000068.4, NM_001127221.2, NM_001174080.2 and 1 more transcripts); c.1692G>A (NM_001127222.1).
Identifiers: ClinVar variation 590034 (VCV000590034.19), dbSNP rs371827685, ClinGen allele CA9240751.

ClinVar aggregate classification (germline): Likely benign. Review status: criteria provided, multiple submitters, no conflicts (2 of 4 stars). 4 submissions from 4 submitters: Likely benign (3). 1 of the submissions does not count toward it. Last evaluated 2026-01-19.

Conditions:
Inborn genetic diseases. Identifiers: MedGen C0950123, MeSH D030342.
CACNA1A-related disorder. Also called: CACNA1A-related condition.
Developmental and epileptic encephalopathy, 42 (DEE42A). Also called: Epileptic encephalopathy, early infantile, 42; DEVELOPMENTAL AND EPILEPTIC ENCEPHALOPATHY 42A; EPILEPTIC ENCEPHALOPATHY, EARLY INFANTILE, 42A. Identifiers: MedGen C4310716, MONDO:0014917, OMIM 617106.
Episodic ataxia type 2 (EA2). Also called: ATAXIA, EPISODIC, WITH NYSTAGMUS; ATAXIA, FAMILIAL PAROXYSMAL; CEREBELLAR ATAXIA, PAROXYSMAL, ACETAZOLAMIDE-RESPONSIVE; CEREBELLOPATHY, HEREDITARY PAROXYSMAL; ACETAZOLAMIDE-RESPONSIVE HEREDITARY PAROXYSMAL CEREBELLAR ATAXIA; EPISODIC ATAXIA, NYSTAGMUS-ASSOCIATED. Identifiers: Orphanet 97, MedGen C1720416, MONDO:0007163, OMIM 108500.

Allele frequency attached by ClinVar (database versions not stated): gnomAD 0.00001 and 0.00003; gnomAD exomes 0.00001 and 0.00002; TOPMed 0.00001; ExAC 0.00004; 1000 Genomes Project 30x 0.00016; 1000 Genomes Project 0.00040.
gnomAD v4.1: 26 of 1,611,876 alleles (0.0016%); highest among the groups gnomAD compares: East Asian, 0.025%; no homozygotes.

Submissions (4):

Labcorp Genetics (formerly Invitae), Labcorp
Classification: Likely benign for Developmental and epileptic encephalopathy, 42; Episodic ataxia type 2. Last evaluated: 2026-01-19. Review status: criteria provided, single submitter. Criteria: Invitae Variant Classification Sherloc (09022015). Collection method: clinical testing. Allele origin: germline.

Blueprint Genetics
Classification: Likely benign. Last evaluated: 2024-06-12. Review status: criteria provided, single submitter. Criteria: ACMG Guidelines, 2015. Collection method: clinical testing. Allele origin: germline.

Ambry Genetics
Classification: Likely benign for Inborn genetic diseases. Last evaluated: 2017-01-24. Review status: criteria provided, single submitter. Criteria: Ambry Variant Classification Scheme 2023. Collection method: clinical testing. Allele origin: germline.

PreventionGenetics, part of Exact Sciences
Classification: Likely benign for CACNA1A-related condition. Last evaluated: 2019-10-07. Review status: no assertion criteria provided. Collection method: clinical testing. Allele origin: germline. Not counted in ClinVar's aggregate classification.
Comment: This variant is classified as likely benign based on ACMG/AMP sequence variant interpretation guidelines (Richards et al. 2015 PMID: 25741868, with internal and published modifications).